The following is an entry in ClinVar:

ClinVar aggregate classification (germline): Likely benign. Review status: criteria provided, single submitter (1 of 4 stars). 2 submissions from 2 submitters: Likely benign (1). 1 of the submissions does not count toward it. Last evaluated 2025-12-01.

Conditions:
CSF2RB-related disorder. Also called: CSF2RB-related condition.

Allele frequency attached by ClinVar (database versions not stated): ExAC 0.00001; TOPMed 0.00001.

Submissions (2):

Labcorp Genetics (formerly Invitae), Labcorp
Classification: Likely benign. Last evaluated: 2025-12-01. Review status: criteria provided, single submitter. Criteria: Invitae Variant Classification Sherloc (09022015). Collection method: clinical testing. Allele origin: germline.

PreventionGenetics, part of Exact Sciences
Classification: Likely benign for CSF2RB-related condition. Last evaluated: 2021-12-13. Review status: no assertion criteria provided. Collection method: clinical testing. Allele origin: germline. Not counted in ClinVar's aggregate classification.
Comment: This variant is classified as likely benign based on ACMG/AMP sequence variant interpretation guidelines (Richards et al. 2015 PMID: 25741868, with internal and published modifications).

NM_000395.3(CSF2RB):c.2334G>A (p.Arg778=)

Gene: CSF2RB (colony stimulating factor 2 receptor subunit beta; plus strand). Cytogenetic location: 22q12.3.
Variant type: single nucleotide variant.
Coding change: c.2334G>A on transcript NM_000395.3 (MANE Select); coding-DNA position 2334, G replaced by A.
Protein change: p.Arg778=; no amino-acid change (arginine 778 retained).
Molecular consequence: synonymous variant.
Genome position (GRCh38, 1-based): chr22:36,938,142, G>A. VCF-style: chr22-36938142-G-A. GRCh37 (hg19) VCF-style: chr22-37334184-G-A.
Other names: c.2334G>A (NM_000395.2); c.2352G>A, p.Arg784= (NM_001410827.1).
Identifiers: ClinVar variation 2750571 (VCV002750571.5), dbSNP rs779447444, ClinGen allele CA10214094.